The following is an entry in ClinVar:

ClinVar aggregate classification (germline): Uncertain significance (1 of 4 stars; one submission).

Submission:

Labcorp Genetics (formerly Invitae), Labcorp
Classification: Uncertain significance. Last evaluated: 2025-05-19. Review status: criteria provided, single submitter. Criteria: Invitae Variant Classification Sherloc (09022015). Collection method: clinical testing. Allele origin: germline.
Comment: This sequence change falls in intron 20 of the CUL7 gene. It does not directly change the encoded amino acid sequence of the CUL7 protein. It affects a nucleotide within the consensus splice site. This variant is not present in population databases (gnomAD no frequency). This variant has not been reported in the literature in individuals affected with CUL7-related conditions. Variants that disrupt the consensus splice site are a relatively common cause of aberrant splicing (PMID: 17576681, 9536098). Algorithms developed to predict the effect of sequence changes on RNA splicing suggest that this variant may disrupt the consensus splice site. In summary, the available evidence is currently insufficient to determine the role of this variant in disease. Therefore, it has been classified as a Variant of Uncertain Significance.

Literature cited by the submitters: PubMed 17576681; PubMed 9536098.

NM_014780.5(CUL7):c.3806+5G>A

Gene: CUL7 (cullin 7; minus strand). Cytogenetic location: 6p21.1.
Variant type: single nucleotide variant.
Coding change: c.3806+5G>A on transcript NM_014780.5 (MANE Select); 5 bases into the intron after coding-DNA position 3806, G replaced by A.
Molecular consequence: intron variant.
Genome position (GRCh38, 1-based): chr6:43,040,910, C>T on the plus strand (G>A on the coding strand, the complement: CUL7 is on the minus strand). VCF-style: chr6-43040910-C-T. GRCh37 (hg19) VCF-style: chr6-43008648-C-T.
Other names: c.3902+5G>A (NM_001168370.2, NM_001374872.1); c.3803+5G>A (NM_001374874.1); c.3806+5G>A (NM_001374873.1).
Identifiers: ClinVar variation 4719848 (VCV004719848.1).